The following is an entry in ClinVar:

ClinVar aggregate classification (germline): Uncertain significance (1 of 4 stars; one submission).

Allele frequency attached by ClinVar (database versions not stated): gnomAD 0.00003; TOPMed 0.00003; ExAC 0.00005; ESP Exome Variant Server 0.00008; 1000 Genomes Project 30x 0.00016; 1000 Genomes Project 0.00020.
gnomAD v4.1: 28 of 1,613,630 alleles (0.0017%); highest among the groups gnomAD compares: East Asian, 0.0067%; no homozygotes.

Submission:

Labcorp Genetics (formerly Invitae), Labcorp
Classification: Uncertain significance. Last evaluated: 2022-04-23. Review status: criteria provided, single submitter. Criteria: Invitae Variant Classification Sherloc (09022015). Collection method: clinical testing. Allele origin: germline.
Comment: This sequence change replaces arginine, which is basic and polar, with histidine, which is basic and polar, at codon 1115 of the CEP135 protein (p.Arg1115His). In summary, the available evidence is currently insufficient to determine the role of this variant in disease. Therefore, it has been classified as a Variant of Uncertain Significance. Algorithms developed to predict the effect of missense changes on protein structure and function (SIFT, PolyPhen-2, Align-GVGD) all suggest that this variant is likely to be tolerated. This variant has not been reported in the literature in individuals affected with CEP135-related conditions. This variant is present in population databases (rs372409891, gnomAD 0.01%).

NM_025009.5(CEP135):c.3344G>A (p.Arg1115His)

Gene: CEP135 (centrosomal protein 135; plus strand). Cytogenetic location: 4q12.
Variant type: single nucleotide variant.
Coding change: c.3344G>A on transcript NM_025009.5 (MANE Select); coding-DNA position 3344, G replaced by A.
Protein change: p.Arg1115His; replaces arginine 1115 with histidine.
Molecular consequence: missense variant.
Genome position (GRCh38, 1-based): chr4:56,024,524, G>A. VCF-style: chr4-56024524-G-A. GRCh37 (hg19) VCF-style: chr4-56890690-G-A.
Other names: short protein forms R1115H.
Identifiers: ClinVar variation 1899187 (VCV001899187.5), dbSNP rs372409891, ClinGen allele CA2928408.